The following is an entry in ClinVar:

ClinVar aggregate classification (germline): Uncertain significance (1 of 4 stars; one submission).

Conditions:
Pseudohypoaldosteronism type 2C (PHA2C). Also called: Pseudohypoaldosteronism Type IIC. Identifiers: Orphanet 757, Orphanet 88940, MedGen C1840391, MONDO:0013778, OMIM 614492.
Neuropathy, hereditary sensory and autonomic, type 2A (HSAN2A). Also called: MORVAN DISEASE; NEUROPATHY, CONGENITAL SENSORY; NEUROPATHY, HEREDITARY SENSORY RADICULAR, AUTOSOMAL RECESSIVE; NEUROPATHY, HEREDITARY SENSORY, TYPE IIA; NEUROPATHY, PROGRESSIVE SENSORY, OF CHILDREN; WNK1-Related HSAN2 (HSAN2A). Identifiers: Orphanet 970, MedGen C2752089, MONDO:0024309, OMIM 201300.

Submission:

Labcorp Genetics (formerly Invitae), Labcorp
Classification: Uncertain significance for Neuropathy, hereditary sensory and autonomic, type 2A; Pseudohypoaldosteronism type 2C. Last evaluated: 2020-02-15. Review status: criteria provided, single submitter. Criteria: Invitae Variant Classification Sherloc (09022015). Collection method: clinical testing. Allele origin: germline.
Comment: This variant results in a copy number gain of the genomic region encompassing exons 12-28 of the WNK1 gene. The 5' boundary is likely confined to intron 11. The 3' end of this event is unknown as it extends beyond the assayed region for this gene and therefore may encompass additional genes. As the precise location of this event is unknown, it may be in tandem or it may be located elsewhere in the genome. This variant has not been reported in the literature in individuals with WNK1-related conditions. In summary, the available evidence is currently insufficient to determine the role of this variant in disease. Therefore, it has been classified as a Variant of Uncertain Significance.

NC_000012.12:g.(?_878202)_(908802_?)dup

Gene: WNK1 (WNK lysine deficient protein kinase 1; plus strand). Cytogenetic location: 12p13.33.
Variant type: Duplication.
Identifiers: ClinVar variation 832149 (VCV000832149.5).